The following is an entry in ClinVar:

NM_001122681.2(SH3BP2):c.137-14_137-13delinsAT

Gene: SH3BP2 (SH3 domain binding protein 2; plus strand). Cytogenetic location: 4p16.3.
Variant type: Indel.
Coding change: c.137-14_137-13delinsAT on transcript NM_001122681.2 (MANE Select); 14 bases into the intron before coding-DNA position 137 through 13 bases into the intron before coding-DNA position 137, GC replaced by AT.
Molecular consequence: intron variant.
Genome position (GRCh38, 1-based): chr4:2,822,921-2,822,922, GC replaced by AT. VCF-style: chr4-2822921-GC-AT. GRCh37 (hg19) VCF-style: chr4-2824648-GC-AT.
Other names: c.221-14_221-13delinsAT (NM_001145855.2); c.308-14_308-13delinsAT (NM_001145856.2); c.137-14_137-13delinsAT (NM_003023.4).
Identifiers: ClinVar variation 3648583 (VCV003648583.2).

ClinVar aggregate classification (germline): Uncertain significance (1 of 4 stars; one submission).

Conditions:
Fibrous dysplasia of jaw (CRBM). Also called: Cherubism. Identifiers: Orphanet 184, MedGen C0008029, MONDO:0007315, OMIM 118400.

Submission:

Labcorp Genetics (formerly Invitae), Labcorp
Classification: Uncertain significance for Fibrous dysplasia of jaw. Last evaluated: 2024-04-09. Review status: criteria provided, single submitter. Criteria: Invitae Variant Classification Sherloc (09022015). Collection method: clinical testing. Allele origin: germline.
Comment: This sequence change falls in intron 2 of the SH3BP2 gene. It does not directly change the encoded amino acid sequence of the SH3BP2 protein. Information on the frequency of this variant in the gnomAD database is not available, as this variant may be reported differently in the database. This variant has not been reported in the literature in individuals affected with SH3BP2-related conditions. Experimental studies and prediction algorithms are not available or were not evaluated, and the effect of this variant on mRNA splicing is currently unknown. In summary, the available evidence is currently insufficient to determine the role of this variant in disease. Therefore, it has been classified as a Variant of Uncertain Significance.